The following is an entry in ClinVar:

NM_004230.4(S1PR2):c.794C>A (p.Pro265Gln)

Gene: S1PR2 (sphingosine-1-phosphate receptor 2; minus strand). Cytogenetic location: 19p13.2.
Variant type: single nucleotide variant.
Coding change: c.794C>A on transcript NM_004230.4 (MANE Select); coding-DNA position 794, C replaced by A.
Protein change: p.Pro265Gln; replaces proline 265 with glutamine.
Molecular consequence: missense variant.
Genome position (GRCh38, 1-based): chr19:10,224,112, G>T on the plus strand (C>A on the coding strand, the complement: S1PR2 is on the minus strand). VCF-style: chr19-10224112-G-T. GRCh37 (hg19) VCF-style: chr19-10334788-G-T.
Other names: short protein forms P265Q.
Identifiers: ClinVar variation 2116951 (VCV002116951.4), dbSNP rs572711891, ClinGen allele CA403945917.

ClinVar aggregate classification (germline): Uncertain significance (1 of 4 stars; one submission).

Submission:

Labcorp Genetics (formerly Invitae), Labcorp
Classification: Uncertain significance. Last evaluated: 2022-05-17. Review status: criteria provided, single submitter. Criteria: Invitae Variant Classification Sherloc (09022015). Collection method: clinical testing. Allele origin: germline.
Comment: This sequence change replaces proline, which is neutral and non-polar, with glutamine, which is neutral and polar, at codon 265 of the S1PR2 protein (p.Pro265Gln). This variant is not present in population databases (gnomAD no frequency). This variant has not been reported in the literature in individuals affected with S1PR2-related conditions. Algorithms developed to predict the effect of missense changes on protein structure and function are either unavailable or do not agree on the potential impact of this missense change (SIFT: "Deleterious"; PolyPhen-2: "Possibly Damaging"; Align-GVGD: "Class C0"). In summary, the available evidence is currently insufficient to determine the role of this variant in disease. Therefore, it has been classified as a Variant of Uncertain Significance.